The following is an entry in ClinVar:

ClinVar aggregate classification (germline): Likely benign. Review status: reviewed by expert panel (3 of 4 stars). 2 submissions from 2 submitters: Likely benign (1). 1 of the submissions does not count toward it. Last evaluated 2017-06-29.

Conditions:
Hereditary cancer-predisposing syndrome. Also called: Hereditary neoplastic syndrome; Hereditary Cancer Syndrome; Neoplastic Syndromes, Hereditary; Tumor predisposition. Identifiers: Orphanet 140162, MedGen C0027672, MeSH D009386, MONDO:0015356.
Breast-ovarian cancer, familial, susceptibility to, 2 (BROVCA2). Also called: BRCA2 Hereditary Breast and Ovarian Cancer. Identifiers: Orphanet 145, MedGen C2675520, MONDO:0012933, OMIM 612555. Disease mechanism: loss of function.

Submissions (2):

Evidence-based Network for the Interpretation of Germline Mutant Alleles (ENIGMA)
Classification: Likely benign for Breast-ovarian cancer, familial, susceptibility to, 2. Last evaluated: 2017-06-29. Review status: reviewed by expert panel. Criteria: ENIGMA BRCA1/2 Classification Criteria (2017-06-29). Collection method: curation. Allele origin: germline.
Comment: Synonymous substitution variant, with low bioinformatic likelihood to result in a splicing aberration (Splicing prior probability 0.02).

Ambry Genetics
Classification: Likely benign for Hereditary cancer-predisposing syndrome. Last evaluated: 2024-02-24. Review status: criteria provided, single submitter. Criteria: Ambry Variant Classification Scheme 2023. Collection method: clinical testing. Allele origin: germline. Not counted in ClinVar's aggregate classification.

NM_000059.4(BRCA2):c.6525G>A (p.Glu2175=)

Gene: BRCA2 (BRCA2 DNA repair associated; plus strand). Cytogenetic location: 13q13.1.
Variant type: single nucleotide variant.
Coding change: c.6525G>A on transcript NM_000059.4 (MANE Select); coding-DNA position 6525, G replaced by A.
Protein change: p.Glu2175=; no amino-acid change (glutamic acid 2175 retained).
Molecular consequence: synonymous variant.
Genome position (GRCh38, 1-based): chr13:32,340,880, G>A. VCF-style: chr13-32340880-G-A. GRCh37 (hg19) VCF-style: chr13-32915017-G-A.
Identifiers: ClinVar variation 427365 (VCV000427365.4), dbSNP rs1131692100, ClinGen allele CA483439100.